The following is an entry in ClinVar:

ClinVar aggregate classification (germline): Uncertain significance (1 of 4 stars; one submission).

Submission:

Women's Health and Genetics/Laboratory Corporation of America, LabCorp
Classification: Uncertain significance. Last evaluated: 2024-11-20. Review status: criteria provided, single submitter. Criteria: LabCorp Variant Classification Summary - May 2015. Collection method: clinical testing. Allele origin: germline.
Comment: Variant summary: CPS1 c.4192C>G (p.Leu1398Val) results in a conservative amino acid change located in the MGS-like domain (IPR011607) of the encoded protein sequence. Four of five in-silico tools predict a damaging effect of the variant on protein function. The variant was absent in 251246 control chromosomes. c.4192C>G has been reported in the literature in at least one individual affected with Carbamoylphosphate Synthetase I Deficiency (Haberle_2011). These report(s) do not provide unequivocal conclusions about association of the variant with Carbamoylphosphate Synthetase I Deficiency. At least one publication reports experimental evidence evaluating an impact on protein function. The most pronounced variant effect results in approximately 20% of normal enzyme activity (Diez-Fernandez_2015). The following publications have been ascertained in the context of this evaluation (PMID: 26059772, 21120950). No submitters have cited clinical-significance assessments for this variant to ClinVar. Based on the evidence outlined above, the variant was classified as VUS-possibly pathogenic.

Literature cited by the submitters: PubMed 21120950; PubMed 26059772.

NM_001875.5(CPS1):c.4192C>G (p.Leu1398Val)

Gene: CPS1 (carbamoyl-phosphate synthase 1; plus strand). Cytogenetic location: 2q34.
Variant type: single nucleotide variant.
Coding change: c.4192C>G on transcript NM_001875.5 (MANE Select); coding-DNA position 4192, C replaced by G.
Protein change: p.Leu1398Val; replaces leucine 1398 with valine.
Molecular consequence: missense variant. On other transcripts: non-coding transcript variant (2).
Genome position (GRCh38, 1-based): chr2:210,675,758, C>G. VCF-style: chr2-210675758-C-G. GRCh37 (hg19) VCF-style: chr2-211540482-C-G.
Other names: c.4192C>G, p.Leu1398Val (NM_001122633.3, NM_001369257.1); c.4225C>G, p.Leu1409Val (NM_001369256.1); short protein forms L1398V, L1409V.
Identifiers: ClinVar variation 3629970 (VCV003629970.1).